The following is an entry in ClinVar:

NM_020975.6(RET):c.1772T>A (p.Val591Asp)

Gene: RET (ret proto-oncogene; plus strand). Cytogenetic location: 10q11.21.
Variant type: single nucleotide variant.
Coding change: c.1772T>A on transcript NM_020975.6 (MANE Select); coding-DNA position 1772, T replaced by A.
Protein change: p.Val591Asp; replaces valine 591 with aspartic acid.
Molecular consequence: missense variant. On other transcripts: intron variant (2).
Genome position (GRCh38, 1-based): chr10:43,113,568, T>A. VCF-style: chr10-43113568-T-A. GRCh37 (hg19) VCF-style: chr10-43609016-T-A.
Other names: c.1772T>A, p.Val591Asp (NM_000323.2, NM_001406743.1, NM_001406744.1 and 6 more transcripts); c.1010T>A, p.Val337Asp (NM_001355216.2); c.1643T>A, p.Val548Asp (NM_001406761.1, NM_001406762.1, NM_001406764.1 and 1 more transcripts); c.1484T>A, p.Val495Asp (NM_001406766.1, NM_001406767.1, NM_001406770.1); c.1376T>A, p.Val459Asp (NM_001406769.1, NM_001406772.1); c.1334T>A, p.Val445Asp (NM_001406771.1, NM_001406773.1); c.1247T>A, p.Val416Asp (NM_001406774.1); c.1046T>A, p.Val349Asp (NM_001406775.1, NM_001406776.1, NM_001406777.1 and 1 more transcripts); and 7 more; short protein forms V196D, V292D, V349D, V459D, V591D, V108D, V548D, V249D.
Identifiers: ClinVar variation 2568376 (VCV002568376.2), dbSNP rs2132826699, ClinGen allele CA376552474.
Genomic context (GRCh38, chr10:43,113,568, plus strand): 5'-GGGTGGTCAGGCGCCCCAGGAGGCTGAGTGGGCTACGTCTGCCCTCAGGGGGCAGCATTG[T>A]TGGGGGACACGAGCCTGGGGAGCCCCGGGGGATTAAAGCTGGCTATGGCACCTGCAACTG-3'
Protein context (NP_066124.1, residues 581-601): CPQDCLRGSI[Val591Asp]GGHEPGEPRG

ClinVar aggregate classification (germline): Uncertain significance (1 of 4 stars; one submission).

Conditions:
Hereditary cancer-predisposing syndrome. Also called: Hereditary neoplastic syndrome; Hereditary Cancer Syndrome; Neoplastic Syndromes, Hereditary; Tumor predisposition. Identifiers: Orphanet 140162, MedGen C0027672, MeSH D009386, MONDO:0015356.

Submission:

Ambry Genetics
Classification: Uncertain significance for Hereditary cancer-predisposing syndrome. Last evaluated: 2023-06-02. Review status: criteria provided, single submitter. Criteria: Ambry Variant Classification Scheme 2023. Collection method: clinical testing. Allele origin: germline.
Comment: The p.V591D variant (also known as c.1772T>A), located in coding exon 10 of the RET gene, results from a T to A substitution at nucleotide position 1772. The valine at codon 591 is replaced by aspartic acid, an amino acid with highly dissimilar properties. This amino acid position is conserved. In addition, the in silico prediction for this alteration is inconclusive. Since supporting evidence is limited at this time, the clinical significance of this alteration remains unclear.